The following is an entry in ClinVar:

NM_016247.4(IMPG2):c.2755A>T (p.Lys919Ter)

Gene: IMPG2 (interphotoreceptor matrix proteoglycan 2; minus strand). Cytogenetic location: 3q12.3.
Variant type: single nucleotide variant.
Coding change: c.2755A>T on transcript NM_016247.4 (MANE Select); coding-DNA position 2755, A replaced by T.
Protein change: p.Lys919Ter; replaces lysine 919 with a stop codon.
Molecular consequence: nonsense.
Genome position (GRCh38, 1-based): chr3:101,243,576, T>A on the plus strand (A>T on the coding strand, the complement: IMPG2 is on the minus strand). VCF-style: chr3-101243576-T-A. GRCh37 (hg19) VCF-style: chr3-100962420-T-A.
Other names: short protein forms K919*.
Identifiers: ClinVar variation 3650397 (VCV003650397.2).

ClinVar aggregate classification (germline): Pathogenic (1 of 4 stars; one submission).

Submission:

Labcorp Genetics (formerly Invitae), Labcorp
Classification: Pathogenic. Last evaluated: 2024-04-18. Review status: criteria provided, single submitter. Criteria: Invitae Variant Classification Sherloc (09022015). Collection method: clinical testing. Allele origin: germline.
Comment: This sequence change creates a premature translational stop signal (p.Lys919*) in the IMPG2 gene. It is expected to result in an absent or disrupted protein product. Loss-of-function variants in IMPG2 are known to be pathogenic (PMID: 20673862). This variant is not present in population databases (gnomAD no frequency). This variant has not been reported in the literature in individuals affected with IMPG2-related conditions. Algorithms developed to predict the effect of sequence changes on RNA splicing suggest that this variant may disrupt the consensus splice site. For these reasons, this variant has been classified as Pathogenic.

Literature cited by the submitters: PubMed 20673862.